The following is an entry in ClinVar:

NM_018263.6(ASXL2):c.2056G>A (p.Val686Ile)

Gene: ASXL2 (ASXL transcriptional regulator 2; minus strand). Cytogenetic location: 2p23.3.
Variant type: single nucleotide variant.
Coding change: c.2056G>A on transcript NM_018263.6 (MANE Select); coding-DNA position 2056, G replaced by A.
Protein change: p.Val686Ile; replaces valine 686 with isoleucine.
Molecular consequence: missense variant.
Genome position (GRCh38, 1-based): chr2:25,744,281, C>T on the plus strand (G>A on the coding strand, the complement: ASXL2 is on the minus strand). VCF-style: chr2-25744281-C-T. GRCh37 (hg19) VCF-style: chr2-25967150-C-T.
Other names: c.1882G>A, p.Val628Ile (NM_001369346.1); c.1276G>A, p.Val426Ile (NM_001369347.1); short protein forms V426I, V628I, V686I.
Identifiers: ClinVar variation 2501905 (VCV002501905.1), dbSNP rs2465307321, ClinGen allele CA346082277.
Genomic context (GRCh38, chr2:25,744,281, plus strand): 5'-CACCACCCTCTCCTGGACCTTGTCCACCCCCTGGGCCAGGTCCTGGAATGGTCCCTCCAA[C>T]TGAGGCGGCTGCAGCAGCTGCGGCGGCAGCGGCAGCTGCTGCCCTCTGTGCTTTGACCAG-3'
Protein context (NP_060733.4, residues 676-696): AAAAAAAAAS[Val686Ile]GGTIPGPGPG

ClinVar aggregate classification (germline): Uncertain significance (1 of 4 stars; one submission).

Submission:

GeneDx
Classification: Uncertain significance. Last evaluated: 2022-11-09. Review status: criteria provided, single submitter. Criteria: GeneDx Variant Classification Process June 2021. Collection method: clinical testing. Allele origin: germline. Affected: yes.
Comment: Not observed at significant frequency in large population cohorts (gnomAD); In silico analysis supports that this missense variant does not alter protein structure/function; Has not been previously published as pathogenic or benign to our knowledge